The following is an entry in ClinVar:

NM_004519.4(KCNQ3):c.2318G>A (p.Arg773Gln)

Gene: KCNQ3 (potassium voltage-gated channel subfamily Q member 3; minus strand). Cytogenetic location: 8q24.22.
Variant type: single nucleotide variant.
Coding change: c.2318G>A on transcript NM_004519.4 (MANE Select); coding-DNA position 2318, G replaced by A.
Protein change: p.Arg773Gln; replaces arginine 773 with glutamine.
Molecular consequence: missense variant.
Genome position (GRCh38, 1-based): chr8:132,129,563, C>T on the plus strand (G>A on the coding strand, the complement: KCNQ3 is on the minus strand). VCF-style: chr8-132129563-C-T. GRCh37 (hg19) VCF-style: chr8-133141810-C-T.
Other names: p.R773Q:CGA>CAA; c.1958G>A, p.Arg653Gln (NM_001204824.2); short protein forms R773Q, R653Q.
Identifiers: ClinVar variation 205989 (VCV000205989.13), dbSNP rs769160647, ClinGen allele CA315644.

ClinVar aggregate classification (germline): Conflicting classifications of pathogenicity. Review status: criteria provided, conflicting classifications (1 of 4 stars). 2 submissions from 2 submitters: Uncertain significance (1); Likely benign (1). Last evaluated 2025-09-16.

Conditions:
Benign neonatal seizures. Also called: Benign familial neonatal seizures; Benign neonatal familial convulsions; Convulsions benign familial neonatal dominant form; Autosomal dominant form of benign neonatal seizures; Benign familial neonatal epilepsy. Identifiers: Orphanet 1949, MedGen C0220669, MONDO:0016027.

Allele frequency attached by ClinVar (database versions not stated): ExAC 0.00005; gnomAD exomes 0.00002 and 0.00003; gnomAD 0.00003 and 0.00004; TOPMed 0.00003.
gnomAD v4.1: 39 of 1,614,066 alleles (0.0024%); highest among the groups gnomAD compares: Admixed American, 0.0083%; no homozygotes.

Submissions (2):

GeneDx
Classification: Likely benign. Last evaluated: 2025-09-16. Review status: criteria provided, single submitter. Criteria: GeneDx Variant Classification Process June 2021. Collection method: clinical testing. Allele origin: germline. Affected: yes.
Comment: See Variant Classification Assertion Criteria.

Labcorp Genetics (formerly Invitae), Labcorp
Classification: Uncertain significance for Benign neonatal seizures. Last evaluated: 2025-03-14. Review status: criteria provided, single submitter. Criteria: Invitae Variant Classification Sherloc (09022015). Collection method: clinical testing. Allele origin: germline.
Comment: This sequence change replaces arginine, which is basic and polar, with glutamine, which is neutral and polar, at codon 773 of the KCNQ3 protein (p.Arg773Gln). This variant is present in population databases (rs769160647, gnomAD 0.01%). This variant has not been reported in the literature in individuals affected with KCNQ3-related conditions. ClinVar contains an entry for this variant (Variation ID: 205989). Invitae Evidence Modeling of protein sequence and biophysical properties (such as structural, functional, and spatial information, amino acid conservation, physicochemical variation, residue mobility, and thermodynamic stability) indicates that this missense variant is not expected to disrupt KCNQ3 protein function with a negative predictive value of 95%. In summary, the available evidence is currently insufficient to determine the role of this variant in disease. Therefore, it has been classified as a Variant of Uncertain Significance.